The following is an entry in ClinVar:

ClinVar aggregate classification (germline): Uncertain significance (1 of 4 stars; one submission).

Conditions:
Pulmonary hypertension, primary, 4. Identifiers: Orphanet 422, MedGen C3809198, MONDO:0014136, OMIM 615344.

Submission:

Labcorp Genetics (formerly Invitae), Labcorp
Classification: Uncertain significance for Pulmonary hypertension, primary, 4. Last evaluated: 2021-08-05. Review status: criteria provided, single submitter. Criteria: Invitae Variant Classification Sherloc (09022015). Collection method: clinical testing. Allele origin: germline.
Comment: In summary, the available evidence is currently insufficient to determine the role of this variant in disease. Therefore, it has been classified as a Variant of Uncertain Significance. This variant has not been reported in the literature in individuals affected with KCNK3-related conditions. The frequency data for this variant in the population databases is considered unreliable, as metrics indicate insufficient coverage at this position in the ExAC database. This sequence change creates a premature translational stop signal (p.Arg3Glyfs*33) in the KCNK3 gene. It is expected to result in an absent or disrupted protein product. However, the current clinical and genetic evidence is not sufficient to establish whether loss-of-function variants in KCNK3 cause disease.

NM_002246.3(KCNK3):c.7del (p.Arg3fs)

Gene: KCNK3 (potassium two pore domain channel subfamily K member 3; plus strand). Cytogenetic location: 2p23.3.
Variant type: Deletion.
Coding change: c.7del on transcript NM_002246.3 (MANE Select); coding-DNA position 7, one base deleted (C; older notation c.7delC).
Protein change: p.Arg3fs; shifts the reading frame from arginine 3.
Molecular consequence: frameshift variant.
Genome position (GRCh38, 1-based): chr2:26,692,882, C deleted. VCF-style (leftmost placement, unchanged base first): chr2-26692881-GC-G. GRCh37 (hg19) VCF-style: chr2-26915749-GC-G.
Other names: short protein forms R3fs.
Identifiers: ClinVar variation 1524604 (VCV001524604.6), dbSNP rs2148251650, ClinGen allele CA2573134487.